The following is an entry in ClinVar:

ClinVar aggregate classification (germline): Uncertain significance (1 of 4 stars; one submission).

Conditions:
Nephronophthisis. Also called: Juvenile Nephronophthisis. Identifiers: Orphanet 655, MedGen C0687120, MONDO:0019005, HP:0000090.

Submission:

Labcorp Genetics (formerly Invitae), Labcorp
Classification: Uncertain significance for Nephronophthisis. Last evaluated: 2023-10-22. Review status: criteria provided, single submitter. Criteria: Invitae Variant Classification Sherloc (09022015). Collection method: clinical testing. Allele origin: germline.
Comment: This sequence change replaces glutamine, which is neutral and polar, with lysine, which is basic and polar, at codon 360 of the NPHP1 protein (p.Gln360Lys). This variant is not present in population databases (gnomAD no frequency). This variant has not been reported in the literature in individuals affected with NPHP1-related conditions. ClinVar contains an entry for this variant (Variation ID: 957525). Advanced modeling of protein sequence and biophysical properties (such as structural, functional, and spatial information, amino acid conservation, physicochemical variation, residue mobility, and thermodynamic stability) performed at Invitae indicates that this missense variant is not expected to disrupt NPHP1 protein function. In summary, the available evidence is currently insufficient to determine the role of this variant in disease. Therefore, it has been classified as a Variant of Uncertain Significance.

NM_001128178.3(NPHP1):c.910C>A (p.Gln304Lys)

Gene: NPHP1 (nephrocystin 1; minus strand). Cytogenetic location: 2q13.
Variant type: single nucleotide variant.
Coding change: c.910C>A on transcript NM_001128178.3 (MANE Select); coding-DNA position 910, C replaced by A.
Protein change: p.Gln304Lys; replaces glutamine 304 with lysine.
Molecular consequence: missense variant.
Genome position (GRCh38, 1-based): chr2:110,161,647, G>T on the plus strand (C>A on the coding strand, the complement: NPHP1 is on the minus strand). VCF-style: chr2-110161647-G-T. GRCh37 (hg19) VCF-style: chr2-110919224-G-T.
Other names: c.1078C>A, p.Gln360Lys (NM_000272.5); c.721C>A, p.Gln241Lys (NM_001128179.3); c.907C>A, p.Gln303Lys (NM_001374256.1); c.910C>A, p.Gln304Lys (NM_001374257.1); c.1075C>A, p.Gln359Lys (NM_207181.4); short protein forms Q241K, Q303K, Q360K, Q304K, Q359K.
Identifiers: ClinVar variation 957525 (VCV000957525.9), dbSNP rs1335925956, ClinGen allele CA348090180.